The following is an entry in ClinVar:

NM_000064.4(C3):c.3887T>C (p.Val1296Ala)

Gene: C3 (complement C3; minus strand). Cytogenetic location: 19p13.3.
Variant type: single nucleotide variant.
Coding change: c.3887T>C on transcript NM_000064.4 (MANE Select); coding-DNA position 3887, T replaced by C.
Protein change: p.Val1296Ala; replaces valine 1296 with alanine.
Molecular consequence: missense variant.
Genome position (GRCh38, 1-based): chr19:6,685,070, A>G on the plus strand (T>C on the coding strand, the complement: C3 is on the minus strand). VCF-style: chr19-6685070-A-G. GRCh37 (hg19) VCF-style: chr19-6685081-A-G.
Other names: short protein forms V1296A.
Identifiers: ClinVar variation 3720093 (VCV003720093.2).

ClinVar aggregate classification (germline): Uncertain significance (1 of 4 stars; one submission).

Submission:

Labcorp Genetics (formerly Invitae), Labcorp
Classification: Uncertain significance. Last evaluated: 2025-01-19. Review status: criteria provided, single submitter. Criteria: Invitae Variant Classification Sherloc (09022015). Collection method: clinical testing. Allele origin: germline.
Comment: This sequence change replaces valine, which is neutral and non-polar, with alanine, which is neutral and non-polar, at codon 1296 of the C3 protein (p.Val1296Ala). This variant is not present in population databases (gnomAD no frequency). This variant has not been reported in the literature in individuals affected with C3-related conditions. Invitae Evidence Modeling of protein sequence and biophysical properties (such as structural, functional, and spatial information, amino acid conservation, physicochemical variation, residue mobility, and thermodynamic stability) indicates that this missense variant is not expected to disrupt C3 protein function with a negative predictive value of 80%. In summary, the available evidence is currently insufficient to determine the role of this variant in disease. Therefore, it has been classified as a Variant of Uncertain Significance.